The following is an entry in ClinVar:

ClinVar aggregate classification (germline): Conflicting classifications of pathogenicity. Review status: criteria provided, conflicting classifications (1 of 4 stars). 3 submissions from 3 submitters: Uncertain significance (2); Likely benign (1). Last evaluated 2024-04-24.

Conditions:
Tuberous sclerosis syndrome (TSC). Also called: Tuberous Sclerosis Complex; Tuberous sclerosis. Identifiers: Orphanet 805, MedGen C0041341, MONDO:0001734.
Tuberous sclerosis 1 (TSC1). Identifiers: Orphanet 805, MedGen C1854465, MONDO:0008612, OMIM 191100.
Hereditary cancer-predisposing syndrome. Also called: Hereditary neoplastic syndrome; Neoplastic Syndromes, Hereditary; Tumor predisposition; Hereditary Cancer Syndrome. Identifiers: Orphanet 140162, MedGen C0027672, MeSH D009386, MONDO:0015356.

Allele frequency attached by ClinVar (database versions not stated): TOPMed below 0.00001.
gnomAD v4.1: 2 of 1,613,930 alleles (0.00012%); highest among the groups gnomAD compares: Admixed American, 0.0017%; no homozygotes.

Submissions (3):

Ambry Genetics
Classification: Uncertain significance for Hereditary cancer-predisposing syndrome. Last evaluated: 2024-04-24. Review status: criteria provided, single submitter. Criteria: Ambry Variant Classification Scheme 2023. Collection method: clinical testing. Allele origin: germline.
Comment: The p.D675N variant (also known as c.2023G>A), located in coding exon 14 of the TSC1 gene, results from a G to A substitution at nucleotide position 2023. The aspartic acid at codon 675 is replaced by asparagine, an amino acid with highly similar properties. This amino acid position is conserved. In addition, this alteration is predicted to be tolerated by in silico analysis. Since supporting evidence is limited at this time, the clinical significance of this alteration remains unclear.

All of Us Research Program, National Institutes of Health
Classification: Uncertain significance for Tuberous sclerosis syndrome. Last evaluated: 2023-12-18. Review status: criteria provided, single submitter. Criteria: ACMG Guidelines, 2015. Collection method: clinical testing. Allele origin: germline. Inheritance: Autosomal dominant inheritance. Observed: 1 variant allele, 1 heterozygote.
Comment: This missense variant replaces aspartic acid with asparagine at codon 675 of the TSC1 protein. Computational prediction is inconclusive regarding the impact of this variant on protein structure and function (internally defined REVEL score threshold 0.5 < inconclusive < 0.7, PMID: 27666373). To our knowledge, functional studies have not been reported for this variant. This variant has not been reported in individuals affected with TSC1-related disorders in the literature. This variant has not been identified in the general population by the Genome Aggregation Database (gnomAD). The available evidence is insufficient to determine the role of this variant in disease conclusively. Therefore, this variant is classified as a Variant of Uncertain Significance.

This study involves interpretation of variants in research participants for the purpose of population health screening. Participant phenotype was not available at the time of variant classification. Additional details can be found in publication PMID: 35346344, PMCID: PMC8962531

Labcorp Genetics (formerly Invitae), Labcorp
Classification: Likely benign for Tuberous sclerosis 1. Last evaluated: 2023-10-06. Review status: criteria provided, single submitter. Criteria: Invitae Variant Classification Sherloc (09022015). Collection method: clinical testing. Allele origin: germline.

NM_000368.5(TSC1):c.2023G>A (p.Asp675Asn)

Gene: TSC1 (TSC complex subunit 1; minus strand). Cytogenetic location: 9q34.13.
Variant type: single nucleotide variant.
Coding change: c.2023G>A on transcript NM_000368.5 (MANE Select); coding-DNA position 2023, G replaced by A.
Protein change: p.Asp675Asn; replaces aspartic acid 675 with asparagine.
Molecular consequence: missense variant.
Genome position (GRCh38, 1-based): chr9:132,904,429, C>T on the plus strand (G>A on the coding strand, the complement: TSC1 is on the minus strand). VCF-style: chr9-132904429-C-T. GRCh37 (hg19) VCF-style: chr9-135779816-C-T.
Other names: c.2020G>A, p.Asp674Asn (NM_001162426.2); c.1870G>A, p.Asp624Asn (NM_001162427.2); c.1660G>A, p.Asp554Asn (NM_001362177.2); short protein forms D675N, D674N, D554N, D624N.
Identifiers: ClinVar variation 411280 (VCV000411280.16), dbSNP rs768189353, ClinGen allele CA16612762.